The following is an entry in ClinVar:

ClinVar aggregate classification (germline): Likely benign (0 of 4 stars; one submission).

Conditions:
MYOM2-related disorder. Also called: MYOM2-related condition.

Allele frequency attached by ClinVar (database versions not stated): 1000 Genomes Project 30x 0.00156; 1000 Genomes Project 0.00160; gnomAD 0.00194; ExAC 0.00200; ESP Exome Variant Server 0.00231.
gnomAD v4.1: 4,988 of 1,614,182 alleles (0.31%); highest among the groups gnomAD compares: Non-Finnish European, 0.38%; 10 homozygotes.

Submission:

PreventionGenetics, part of Exact Sciences
Classification: Likely benign for MYOM2-related condition. Last evaluated: 2022-09-13. Review status: no assertion criteria provided. Collection method: clinical testing. Allele origin: germline.
Comment: This variant is classified as likely benign based on ACMG/AMP sequence variant interpretation guidelines (Richards et al. 2015 PMID: 25741868, with internal and published modifications).

NM_003970.4(MYOM2):c.2780A>G (p.Tyr927Cys)

Genes: MYOM2 (myomesin 2; plus strand), LOC126860282 (BRD4-independent group 4 enhancer GRCh37_chr8:2053383-2054582; plus strand). Cytogenetic location: 8p23.3.
Variant type: single nucleotide variant.
Coding change: c.2780A>G on transcript NM_003970.4 (MANE Select); coding-DNA position 2780, A replaced by G.
Protein change: p.Tyr927Cys; replaces tyrosine 927 with cysteine.
Molecular consequence: missense variant.
Genome position (GRCh38, 1-based): chr8:2,106,287, A>G. VCF-style: chr8-2106287-A-G. GRCh37 (hg19) VCF-style: chr8-2054077-A-G.
Other names: short protein forms Y927C.
Identifiers: ClinVar variation 3057018 (VCV003057018.2), dbSNP rs117165873, ClinGen allele CA170459308.